The following is an entry in ClinVar:

ClinVar aggregate classification (germline): Benign. Review status: criteria provided, multiple submitters, no conflicts (2 of 4 stars). 12 submissions from 12 submitters: Benign (8). 4 of the submissions do not count toward it. Last evaluated 2026-09-01.

Conditions:
Hereditary sensory neuropathy-deafness-dementia syndrome. Also called: HSN IE; Hereditary Sensory and Autonomic Neuropathy Type 1E (HSAN1E); NEUROPATHY, HEREDITARY SENSORY, WITH HEARING LOSS AND DEMENTIA; Hereditary sensory neuropathy type IE. Identifiers: Orphanet 456318, MedGen C3279885, MONDO:0013584, OMIM 614116.

Allele frequency attached by ClinVar (database versions not stated): 1000 Genomes Project 30x 0.00359; 1000 Genomes Project 0.00419; TOPMed 0.00732; ESP Exome Variant Server 0.00846; ExAC 0.00912; gnomAD exomes 0.01015; gnomAD 0.01134.
gnomAD v4.1: 17,963 of 1,613,950 alleles (1.1%); highest among the groups gnomAD compares: Non-Finnish European, 1.2%; 122 homozygotes.

Submissions (12):

CeGaT Center for Human Genetics Tuebingen
Classification: Benign. Last evaluated: 2026-09-01. Review status: criteria provided, single submitter. Criteria: CeGaT Center For Human Genetics Tuebingen Variant Classification Criteria Version 2. Collection method: clinical testing. Allele origin: germline. Affected: yes. Observed: 80 variant alleles.
Comment: DNMT1: BP4, BS1, BS2

Labcorp Genetics (formerly Invitae), Labcorp
Classification: Benign for Hereditary sensory neuropathy-deafness-dementia syndrome. Last evaluated: 2026-02-03. Review status: criteria provided, single submitter. Criteria: Invitae Variant Classification Sherloc (09022015). Collection method: clinical testing. Allele origin: germline.

ARUP Laboratories, Molecular Genetics and Genomics, ARUP Laboratories
Classification: Benign. Last evaluated: 2023-10-13. Review status: criteria provided, single submitter. Criteria: ARUP Molecular Germline Variant Investigation Process 2024. Collection method: clinical testing. Allele origin: germline.

Mayo Clinic Laboratories, Mayo Clinic
Classification: Benign. Last evaluated: 2022-07-29. Review status: criteria provided, single submitter. Criteria: ACMG Guidelines, 2015. Collection method: clinical testing. Allele origin: germline. Observed: 57 variant alleles.
Comment: BA1, BS2

Illumina Laboratory Services, Illumina
Classification: Benign for Hereditary sensory neuropathy-deafness-dementia syndrome. Last evaluated: 2018-01-12. Review status: criteria provided, single submitter. Criteria: ICSL Variant Classification Criteria 13 December 2019. Collection method: clinical testing. Allele origin: germline.
Comment: This variant was observed in the ICSL laboratory as part of a predisposition screen in an ostensibly healthy population. It had not been previously curated by ICSL or reported in the Human Gene Mutation Database (HGMD: prior to June 1st, 2018), and was therefore a candidate for classification through an automated scoring system. Utilizing variant allele frequency, disease prevalence and penetrance estimates, and inheritance mode, an automated score was calculated to assess if this variant is too frequent to cause the disease. Based on the score and internal cut-off values, a variant classified as benign is not then subjected to further curation. The score for this variant resulted in a classification of benign for this disease.

GeneDx
Classification: Benign. Last evaluated: 2013-12-30. Review status: criteria provided, single submitter. Criteria: GeneDx Variant Classification (06012015). Collection method: clinical testing. Allele origin: germline. Affected: yes.
Comment: This variant is considered likely benign or benign based on one or more of the following criteria: it is a conservative change, it occurs at a poorly conserved position in the protein, it is predicted to be benign by multiple in silico algorithms, and/or has population frequency not consistent with disease.

Breakthrough Genomics
Classification: Benign. Review status: criteria provided, single submitter. Criteria: ACMG Guidelines, 2015. Collection method: not provided. Allele origin: germline. Inheritance: Autosomal dominant inheritance. Affected: yes.

PreventionGenetics, part of Exact Sciences
Classification: Benign. Review status: criteria provided, single submitter. Criteria: ACMG Guidelines, 2015. Collection method: clinical testing. Allele origin: germline.

Clinical Genetics DNA and cytogenetics Diagnostics Lab, Erasmus MC, Erasmus Medical Center
Classification: Benign. Review status: no assertion criteria provided. Collection method: clinical testing. Allele origin: germline. Affected: yes. Study: VKGL Data-share Consensus. Not counted in ClinVar's aggregate classification.

Clinical Genetics, Academic Medical Center
Classification: Benign. Review status: no assertion criteria provided. Collection method: clinical testing. Allele origin: germline. Affected: yes. Study: VKGL Data-share Consensus. Not counted in ClinVar's aggregate classification.

Genome Diagnostics Laboratory, University Medical Center Utrecht
Classification: Likely benign. Review status: no assertion criteria provided. Collection method: clinical testing. Allele origin: germline. Affected: yes. Study: VKGL Data-share Consensus. Not counted in ClinVar's aggregate classification.

Laboratory of Diagnostic Genome Analysis, Leiden University Medical Center (LUMC)
Classification: Likely benign. Review status: no assertion criteria provided. Collection method: clinical testing. Allele origin: germline. Affected: yes. Study: VKGL Data-share Consensus. Not counted in ClinVar's aggregate classification.

NM_001130823.3(DNMT1):c.206G>A (p.Arg69His)

Gene: DNMT1 (DNA methyltransferase 1; minus strand). Cytogenetic location: 19p13.2.
Variant type: single nucleotide variant.
Coding change: c.206G>A on transcript NM_001130823.3 (MANE Select); coding-DNA position 206, G replaced by A.
Protein change: p.Arg69His; replaces arginine 69 with histidine.
Molecular consequence: missense variant. On other transcripts: 5 prime UTR variant (1).
Genome position (GRCh38, 1-based): chr19:10,180,797, C>T on the plus strand (G>A on the coding strand, the complement: DNMT1 is on the minus strand). VCF-style: chr19-10180797-C-T. GRCh37 (hg19) VCF-style: chr19-10291473-C-T.
Other names: p.R69H:CGT>CAT; c.206G>A (LRG_362t1); c.206G>A, p.Arg69His (NM_001318730.2, NM_001379.4); c.-118G>A (NM_001318731.2); short protein forms R69H.
Identifiers: ClinVar variation 137132 (VCV000137132.55), dbSNP rs61750053, ClinGen allele CA290655.